The following is an entry in ClinVar:

ClinVar aggregate classification (germline): Pathogenic. Review status: criteria provided, single submitter (1 of 4 stars). 2 submissions from 2 submitters: Pathogenic (1). 1 of the submissions does not count toward it. Last evaluated 2021-08-24.

Conditions:
Xeroderma pigmentosum, group C (XPC). Also called: Xeroderma pigmentosum, complementation group C; XPC-Related Xeroderma Pigmentosum; XERODERMA PIGMENTOSUM III; XP, GROUP C. Identifiers: Orphanet 910, MedGen C2752147, MONDO:0010211, OMIM 278720.

Submissions (2):

Labcorp Genetics (formerly Invitae), Labcorp
Classification: Pathogenic. Last evaluated: 2021-08-24. Review status: criteria provided, single submitter. Criteria: Invitae Variant Classification Sherloc (09022015). Collection method: clinical testing. Allele origin: germline.
Comment: This sequence change creates a premature translational stop signal (p.Tyr430*) in the XPC gene. It is expected to result in an absent or disrupted protein product. Loss-of-function variants in XPC are known to be pathogenic (PMID: 23173980, 25256075). This variant is not present in population databases (ExAC no frequency). A different variant (c.1290_1295delTAAAGA) giving rise to the same protein effect has been determined to be pathogenic (PMID: 16081512). This suggests that this variant is also likely to be causative of disease. ClinVar contains an entry for this variant (Variation ID: 558241). For these reasons, this variant has been classified as Pathogenic.

Counsyl
Classification: Likely pathogenic for Xeroderma pigmentosum, group C. Last evaluated: 2018-05-08. Review status: no assertion criteria provided. Collection method: clinical testing. Allele origin: unknown. Not counted in ClinVar's aggregate classification.

Literature cited by the submitters: PubMed 23173980 (cited by Labcorp Genetics (formerly Invitae), Labcorp); PubMed 25256075 (cited by Labcorp Genetics (formerly Invitae), Labcorp); PubMed 16081512 (cited by Labcorp Genetics (formerly Invitae), Labcorp).

NM_004628.5(XPC):c.1289_1293del (p.Ser429_Tyr430insTer)

Gene: XPC (XPC complex subunit, DNA damage recognition and repair factor; minus strand). Cytogenetic location: 3p25.1.
Variant type: Deletion.
Coding change: c.1289_1293del on transcript NM_004628.5 (MANE Select); coding-DNA positions 1289 to 1293, 5 bases deleted (ATAAA; older notation c.1289_1293delATAAA).
Protein change: p.Ser429_Tyr430insTer.
Molecular consequence: nonsense. On other transcripts: non-coding transcript variant (2).
Genome position (GRCh38, 1-based): chr3:14,158,590-14,158,594, TTTAT deleted on the plus strand (ATAAA on the coding strand, the reverse complement: XPC is on the minus strand). VCF-style (leftmost placement, unchanged base first): chr3-14158589-CTTTAT-C. GRCh37 (hg19) VCF-style: chr3-14200089-CTTTAT-C.
Other names: c.1289_1293del5 (NM_004628.4); c.710_714del, p.Ser236_Tyr237insTer (NM_001354726.2); c.1289_1293del, p.Ser429_Tyr430insTer (NM_001354727.2, NM_001354730.2); c.1271_1275del, p.Ser423_Tyr424insTer (NM_001354729.2).
Identifiers: ClinVar variation 558241 (VCV000558241.4), dbSNP rs1553605813, ClinGen allele CA658821931.
Genomic context (GRCh38, chr3:14,158,589, plus strand): 5'-CTTCTCCACTGGAGAGCTCAAAATCAGAGCCGCTGCCAGCCTCATCACTCCCACTCTCCT[CTTTAT>C]AAGACACCCTGGAGGCCACCCGCCGCTCCCGGCCATGCGGACGTCGCTGGGTTGCCTTCT-3'